The following is an entry in ClinVar:

ClinVar aggregate classification (germline): Uncertain significance (1 of 4 stars; one submission).

gnomAD v4.1: 10 of 1,613,774 alleles (0.00062%); highest among the groups gnomAD compares: Non-Finnish European, 0.00085%; no homozygotes.

Submission:

Labcorp Genetics (formerly Invitae), Labcorp
Classification: Uncertain significance. Last evaluated: 2024-04-08. Review status: criteria provided, single submitter. Criteria: Invitae Variant Classification Sherloc (09022015). Collection method: clinical testing. Allele origin: germline.
Comment: This sequence change replaces serine, which is neutral and polar, with threonine, which is neutral and polar, at codon 1749 of the BPTF protein (p.Ser1749Thr). This variant is present in population databases (no rsID available, gnomAD 0.002%). This variant has not been reported in the literature in individuals affected with BPTF-related conditions. An algorithm developed to predict the effect of missense changes on protein structure and function (PolyPhen-2) suggests that this variant is likely to be disruptive. In summary, the available evidence is currently insufficient to determine the role of this variant in disease. Therefore, it has been classified as a Variant of Uncertain Significance.

NM_182641.4(BPTF):c.4867T>A (p.Ser1623Thr)

Gene: BPTF (bromodomain PHD finger transcription factor; plus strand). Cytogenetic location: 17q24.2.
Variant type: single nucleotide variant.
Coding change: c.4867T>A on transcript NM_182641.4 (MANE Select); coding-DNA position 4867, T replaced by A.
Protein change: p.Ser1623Thr; replaces serine 1623 with threonine.
Molecular consequence: missense variant.
Genome position (GRCh38, 1-based): chr17:67,912,751, T>A. VCF-style: chr17-67912751-T-A. GRCh37 (hg19) VCF-style: chr17-65908867-T-A.
Other names: c.5245T>A, p.Ser1749Thr (NM_004459.7); short protein forms S1623T, S1749T.
Identifiers: ClinVar variation 3673141 (VCV003673141.2).